The following is an entry in ClinVar:

NM_001346754.2(PIGW):c.558dup (p.Arg187fs)

Genes: MYO19 (myosin XIX; minus strand), PIGW (phosphatidylinositol glycan anchor biosynthesis class W; plus strand). Cytogenetic location: 17q12.
Variant type: Duplication.
Coding change: c.558dup on transcript NM_001346754.2 (MANE Select); coding-DNA position 558, one base duplicated (G; older notation c.558dupG).
Protein change: p.Arg187fs; shifts the reading frame from arginine 187.
Molecular consequence: frameshift variant.
Genome position (GRCh38, 1-based): chr17:36,537,659, G duplicated; the last of 2 consecutive G bases (chr17:36,537,658-36,537,659); duplicating either gives the same sequence. VCF-style (leftmost placement, unchanged base first): chr17-36537657-A-AG. GRCh37 (hg19) VCF-style: chr17-34893506-A-AG.
Other names: c.558dup, p.Arg187fs (NM_001346755.2, NM_178517.5); short protein forms R187fs.
Identifiers: ClinVar variation 1449629 (VCV001449629.8), dbSNP rs2142616752, ClinGen allele CA2573153740.

ClinVar aggregate classification (germline): Uncertain significance (1 of 4 stars; one submission).

Conditions:
Hyperphosphatasia with intellectual disability syndrome 5 (GPIBD11). Also called: GLYCOSYLPHOSPHATIDYLINOSITOL BIOSYNTHESIS DEFECT 11. Identifiers: Orphanet 247262, MedGen C4014958, MONDO:0014457, OMIM 616025.

Submission:

Labcorp Genetics (formerly Invitae), Labcorp
Classification: Uncertain significance for Hyperphosphatasia with intellectual disability syndrome 5. Last evaluated: 2022-09-27. Review status: criteria provided, single submitter. Criteria: Invitae Variant Classification Sherloc (09022015). Collection method: clinical testing. Allele origin: germline.
Comment: In summary, the available evidence is currently insufficient to determine the role of this variant in disease. Therefore, it has been classified as a Variant of Uncertain Significance. Experimental studies and prediction algorithms are not available or were not evaluated, and the functional significance of this variant is currently unknown. ClinVar contains an entry for this variant (Variation ID: 1449629). This variant has not been reported in the literature in individuals affected with PIGW-related conditions. This variant is not present in population databases (gnomAD no frequency). This sequence change creates a premature translational stop signal (p.Arg187Glufs*74) in the PIGW gene. While this is not anticipated to result in nonsense mediated decay, it is expected to disrupt the last 318 amino acid(s) of the PIGW protein.